The following is an entry in ClinVar:

NM_001040716.2(PC):c.2481_2482insT (p.Met828fs)

Gene: PC (pyruvate carboxylase; minus strand). Cytogenetic location: 11q13.2.
Variant type: Insertion.
Coding change: c.2481_2482insT on transcript NM_001040716.2 (MANE Select); coding-DNA positions 2481 to 2482, T inserted.
Protein change: p.Met828fs; shifts the reading frame from methionine 828.
Molecular consequence: frameshift variant.
Genome position: GRCh38 VCF-style: chr11-66850456-T-TA. GRCh37 (hg19) VCF-style: chr11-66617927-T-TA.
Other names: c.2481_2482insT, p.Met828fs (NM_000920.4, NM_001439352.1, NM_001439353.1 and 5 more transcripts); short protein forms M828fs.
Identifiers: ClinVar variation 5013606 (VCV005013606.1).

ClinVar aggregate classification (germline): Pathogenic (1 of 4 stars; one submission).

Conditions:
Pyruvate carboxylase deficiency. Also called: ATAXIA WITH LACTIC ACIDOSIS II; LEIGH NECROTIZING ENCEPHALOPATHY DUE TO PYRUVATE CARBOXYLASE DEFICIENCY; LEIGH SYNDROME DUE TO PYRUVATE CARBOXYLASE DEFICIENCY; PC DEFICIENCY; Pyruvate Carboxylase Deficiency Disease. Identifiers: Orphanet 3008, MedGen C0034341, MONDO:0009949, OMIM 266150.

Submission:

Myriad Genetics, Inc.
Classification: Pathogenic for Pyruvate carboxylase deficiency. Last evaluated: 2024-10-03. Review status: criteria provided, single submitter. Criteria: Myriad Autosomal Dominant, Autosomal Recessive and X-Linked Classification Criteria (2023). Collection method: clinical testing. Allele origin: unknown.
Comment: NM_000920.3(PC):c.2481_2482insT(M828Yfs*6) is expected to be pathogenic in the context of pyruvate carboxylase deficiency. This variant is predicted to lead to an abnormal or absent protein product due to the creation of a premature termination codon in PC, a gene where loss-of-function variants are known to be pathogenic. Please note: this variant was assessed in the context of healthy population screening.